The following is an entry in ClinVar:

NM_001282933.2(ZNF341):c.2261G>A (p.Arg754His)

Genes: ZNF341 (zinc finger protein 341; plus strand), ZNF341-AS1 (ZNF341 antisense RNA 1; minus strand). Cytogenetic location: 20q11.22.
Variant type: single nucleotide variant.
Coding change: c.2261G>A on transcript NM_001282933.2 (MANE Select); coding-DNA position 2261, G replaced by A.
Protein change: p.Arg754His; replaces arginine 754 with histidine.
Molecular consequence: missense variant. On other transcripts: non-coding transcript variant (1).
Genome position (GRCh38, 1-based): chr20:33,791,213, G>A. VCF-style: chr20-33791213-G-A. GRCh37 (hg19) VCF-style: chr20-32379019-G-A.
Other names: c.1991G>A, p.Arg664His (NM_001282935.2); c.2240G>A, p.Arg747His (NM_032819.5); c.2240G>A (NM_032819.3); short protein forms R664H, R754H, R747H.
Identifiers: ClinVar variation 2149698 (VCV002149698.4), dbSNP rs375592064, ClinGen allele CA9819761.

ClinVar aggregate classification (germline): Uncertain significance. Review status: criteria provided, multiple submitters, no conflicts (2 of 4 stars). 3 submissions from 3 submitters: Uncertain significance (3). Last evaluated 2025-08-07.

Allele frequency attached by ClinVar (database versions not stated): ExAC 0.00002; gnomAD 0.00002; gnomAD exomes 0.00003; TOPMed 0.00004; ESP Exome Variant Server 0.00008.
gnomAD v4.1: 39 of 1,612,090 alleles (0.0024%); highest among the groups gnomAD compares: Admixed American, 0.012%; no homozygotes.

Submissions (3):

Ambry Genetics
Classification: Uncertain significance. Last evaluated: 2025-08-07. Review status: criteria provided, single submitter. Criteria: Ambry Variant Classification Scheme 2023. Collection method: clinical testing. Allele origin: germline.

Labcorp Genetics (formerly Invitae), Labcorp
Classification: Uncertain significance. Last evaluated: 2025-03-03. Review status: criteria provided, single submitter. Criteria: Invitae Variant Classification Sherloc (09022015). Collection method: clinical testing. Allele origin: germline.
Comment: This sequence change replaces arginine, which is basic and polar, with histidine, which is basic and polar, at codon 747 of the ZNF341 protein (p.Arg747His). This variant is present in population databases (rs375592064, gnomAD 0.009%). This variant has not been reported in the literature in individuals affected with ZNF341-related conditions. ClinVar contains an entry for this variant (Variation ID: 2149698). An algorithm developed to predict the effect of missense changes on protein structure and function outputs the following: PolyPhen-2: "Benign". The histidine amino acid residue is found in multiple mammalian species, which suggests that this missense change does not adversely affect protein function. In summary, the available evidence is currently insufficient to determine the role of this variant in disease. Therefore, it has been classified as a Variant of Uncertain Significance.

Blueprint Genetics
Classification: Uncertain significance. Last evaluated: 2024-10-24. Review status: criteria provided, single submitter. Criteria: ACMG Guidelines, 2015. Collection method: clinical testing. Allele origin: germline.